The following is an entry in ClinVar:

ClinVar aggregate classification (germline): Uncertain significance (1 of 4 stars; one submission).

Submission:

Mayo Clinic Laboratories, Mayo Clinic
Classification: Uncertain significance. Last evaluated: 2025-09-18. Review status: criteria provided, single submitter. Criteria: ACMG Guidelines, 2015. Collection method: clinical testing. Allele origin: germline. Observed: 1 variant allele.
Comment: PM2_supporting

NM_000431.4(MVK):c.582A>C (p.Arg194Ser)

Gene: MVK (mevalonate kinase; plus strand). Cytogenetic location: 12q24.11.
Variant type: single nucleotide variant.
Coding change: c.582A>C on transcript NM_000431.4 (MANE Select); coding-DNA position 582, A replaced by C.
Protein change: p.Arg194Ser; replaces arginine 194 with serine.
Molecular consequence: missense variant. On other transcripts: 5 prime UTR variant (1), non-coding transcript variant (4).
Genome position (GRCh38, 1-based): chr12:109,586,076, A>C. VCF-style: chr12-109586076-A-C. GRCh37 (hg19) VCF-style: chr12-110023881-A-C.
Other names: p.Arg194Ser; c.582A>C, p.Arg194Ser (NM_001114185.3, NM_001414511.1, NM_001414512.1 and 1 more transcripts); c.426A>C, p.Arg142Ser (NM_001301182.2, NM_001414514.1); c.-1A>C (NM_001414515.1); short protein forms R194S, R142S.
Identifiers: ClinVar variation 4541747 (VCV004541747.1).